The following is an entry in ClinVar:

NM_144628.4(TBC1D20):c.184A>T (p.Thr62Ser)

Gene: TBC1D20 (TBC1 domain family member 20; minus strand). Cytogenetic location: 20p13.
Variant type: single nucleotide variant.
Coding change: c.184A>T on transcript NM_144628.4 (MANE Select); coding-DNA position 184, A replaced by T.
Protein change: p.Thr62Ser; replaces threonine 62 with serine.
Molecular consequence: missense variant. On other transcripts: non-coding transcript variant (1).
Genome position (GRCh38, 1-based): chr20:447,961, T>A on the plus strand (A>T on the coding strand, the complement: TBC1D20 is on the minus strand). VCF-style: chr20-447961-T-A. GRCh37 (hg19) VCF-style: chr20-428605-T-A.
Other names: short protein forms T62S.
Identifiers: ClinVar variation 2501329 (VCV002501329.1), dbSNP rs750194858, ClinGen allele CA9723705.
Genomic context (GRCh38, chr20:447,961, plus strand): 5'-GTGGGTCATTGGCATTGACATTGAGGAGCTTGGGCCACACTTTTCGTCTGATCTCATCAG[T>A]CAGGAGCCCTCCTTCACTGATAGCCATGCGTCTAAGGGCAGCCACATCAGTGGGATCACT-3'
Protein context (NP_653229.1, residues 52-72): RMAISEGGLL[Thr62Ser]DEIRRKVWPK

ClinVar aggregate classification (germline): Uncertain significance (1 of 4 stars; one submission).

Allele frequency attached by ClinVar (database versions not stated): gnomAD 0.00001; TOPMed 0.00001.
gnomAD v4.1: 6 of 1,614,182 alleles (0.00037%); highest among the groups gnomAD compares: African/African-American, 0.0053%; no homozygotes.

Submission:

GeneDx
Classification: Uncertain significance. Last evaluated: 2022-11-03. Review status: criteria provided, single submitter. Criteria: GeneDx Variant Classification Process June 2021. Collection method: clinical testing. Allele origin: germline. Affected: yes.
Comment: Not observed at significant frequency in large population cohorts (gnomAD); In silico analysis supports that this missense variant does not alter protein structure/function; Has not been previously published as pathogenic or benign to our knowledge